The following is an entry in ClinVar:

NM_001723.7(DST):c.5321G>A (p.Gly1774Asp)

Gene: DST (dystonin; minus strand). Cytogenetic location: 6p12.1.
Variant type: single nucleotide variant.
Coding change: c.5321G>A on transcript NM_001723.7 (MANE Plus Clinical); coding-DNA position 5321, G replaced by A.
Protein change: p.Gly1774Asp; replaces glycine 1774 with aspartic acid.
Molecular consequence: missense variant. On other transcripts: intron variant (10).
Genome position (GRCh38, 1-based): chr6:56,618,713, C>T on the plus strand (G>A on the coding strand, the complement: DST is on the minus strand). VCF-style: chr6-56618713-C-T. GRCh37 (hg19) VCF-style: chr6-56483511-C-T.
Other names: c.4831-4229G>A (NM_001144769.5); c.4930-4229G>A (NM_001374722.1, NM_001374736.1); c.4957-4229G>A (NM_001374734.1); c.4417-4229G>A (NM_001144770.2); c.4297-4229G>A (NM_001374730.1, NM_001386100.1, NM_183380.4 and 1 more transcripts); c.3319-4229G>A (NM_015548.5); short protein forms G1774D.
Identifiers: ClinVar variation 1041429 (VCV001041429.9), dbSNP rs750704322, ClinGen allele CA3870382.

ClinVar aggregate classification (germline): Uncertain significance (1 of 4 stars; one submission).

Conditions:
Epidermolysis bullosa simplex 3, localized or generalized intermediate, with BP230 deficiency (EBS3). Also called: Epidermolysis bullosa simplex, autosomal recessive 2; Epidermolysis bullosa simplex due to BP230 deficiency. Identifiers: Orphanet 412181, MedGen C3809470, MONDO:0014180, OMIM 615425.
Hereditary sensory and autonomic neuropathy type 6. Also called: Neuropathy, hereditary sensory and autonomic, type VI; HSAN VI. Identifiers: Orphanet 314381, MedGen C3539003, MONDO:0013839, OMIM 614653.

Allele frequency attached by ClinVar (database versions not stated): gnomAD exomes below 0.00001; ExAC 0.00001.
gnomAD v4.1: 4 of 1,613,862 alleles (0.00025%); highest among the groups gnomAD compares: East Asian, 0.0022%; no homozygotes.

Submission:

Labcorp Genetics (formerly Invitae), Labcorp
Classification: Uncertain significance for Epidermolysis bullosa simplex 3, localized or generalized intermediate, with BP230 deficiency; Hereditary sensory and autonomic neuropathy type 6. Last evaluated: 2020-05-31. Review status: criteria provided, single submitter. Criteria: Invitae Variant Classification Sherloc (09022015). Collection method: clinical testing. Allele origin: germline.
Comment: This variant has not been reported in the literature in individuals with DST-related conditions. This sequence change replaces glycine with aspartic acid at codon 1774 of the DST protein (p.Gly1774Asp). The glycine residue is highly conserved and there is a moderate physicochemical difference between glycine and aspartic acid. This variant is present in population databases (rs750704322, ExAC 0.001%). Algorithms developed to predict the effect of missense changes on protein structure and function (SIFT, PolyPhen-2, Align-GVGD) all suggest that this variant is likely to be disruptive, but these predictions have not been confirmed by published functional studies and their clinical significance is uncertain. In summary, the available evidence is currently insufficient to determine the role of this variant in disease. Therefore, it has been classified as a Variant of Uncertain Significance.